The following is an entry in ClinVar:

ClinVar aggregate classification (germline): Uncertain significance. Review status: criteria provided, multiple submitters, no conflicts (2 of 4 stars). 3 submissions from 3 submitters: Uncertain significance (3). Last evaluated 2025-04-15.

Conditions:
Mitochondrial DNA depletion syndrome 13. Also called: FBXL4-Related Encephalomyopathic Mitochondrial DNA Depletion Syndrome; Mitochondrial DNA depletion syndrome 13 (encephalomyopathic type). Identifiers: Orphanet 369897, MedGen C3809592, MONDO:0014198, OMIM 615471.

Allele frequency attached by ClinVar (database versions not stated): ExAC 0.00001; gnomAD exomes 0.00002; TOPMed 0.00003.
gnomAD v4.1: 28 of 1,613,822 alleles (0.0017%); highest among the groups gnomAD compares: Non-Finnish European, 0.0024%; no homozygotes.

Submissions (3):

GeneDx
Classification: Uncertain significance. Last evaluated: 2025-04-15. Review status: criteria provided, single submitter. Criteria: GeneDx Variant Classification Process June 2021. Collection method: clinical testing. Allele origin: germline. Affected: yes.
Comment: Not observed at significant frequency in large population cohorts (gnomAD); In silico analysis supports that this missense variant has a deleterious effect on protein structure/function; Has not been previously published as pathogenic or benign to our knowledge

Labcorp Genetics (formerly Invitae), Labcorp
Classification: Uncertain significance. Last evaluated: 2021-12-03. Review status: criteria provided, single submitter. Criteria: Invitae Variant Classification Sherloc (09022015). Collection method: clinical testing. Allele origin: germline.
Comment: This sequence change replaces proline, which is neutral and non-polar, with leucine, which is neutral and non-polar, at codon 415 of the FBXL4 protein (p.Pro415Leu). This variant is present in population databases (rs770653005, gnomAD 0.004%). This variant has not been reported in the literature in individuals affected with FBXL4-related conditions. ClinVar contains an entry for this variant (Variation ID: 437717). Advanced modeling of protein sequence and biophysical properties (such as structural, functional, and spatial information, amino acid conservation, physicochemical variation, residue mobility, and thermodynamic stability) performed at Invitae indicates that this missense variant is expected to disrupt FBXL4 protein function. In summary, the available evidence is currently insufficient to determine the role of this variant in disease. Therefore, it has been classified as a Variant of Uncertain Significance.

Wong Mito Lab, Molecular and Human Genetics, Baylor College of Medicine
Classification: Uncertain significance for Mitochondrial DNA depletion syndrome 13. Last evaluated: 2017-08-10. Review status: criteria provided, single submitter. Criteria: ACMG Guidelines, 2015. Collection method: reference population. Allele origin: germline.
Comment: The NM_012160.4:c.1244C>T (NP_036292.2:p.Pro415Leu) [GRCH38: NC_000006.12:g.98899341G>A] variant in FBXL4 gene is interpretated to be a Uncertain Significance - Insufficient Evidence based on ACMG guidelines (PMID: 25741868). This variant meets one or more of the following evidence codes reported in the ACMG-guideline. PM2:This variant is absent in key population databases. Based on this evidence code ClinGen Pathogenicity Calculator (PMID:28081714) suggested that the variant is Uncertain Significance - Insufficient Evidence.

NM_001278716.2(FBXL4):c.1244C>T (p.Pro415Leu)

Gene: FBXL4 (F-box and leucine rich repeat protein 4; minus strand). Cytogenetic location: 6q16.1.
Variant type: single nucleotide variant.
Coding change: c.1244C>T on transcript NM_001278716.2 (MANE Select); coding-DNA position 1244, C replaced by T.
Protein change: p.Pro415Leu; replaces proline 415 with leucine.
Molecular consequence: missense variant. On other transcripts: non-coding transcript variant (2).
Genome position (GRCh38, 1-based): chr6:98,899,341, G>A on the plus strand (C>T on the coding strand, the complement: FBXL4 is on the minus strand). VCF-style: chr6-98899341-G-A. GRCh37 (hg19) VCF-style: chr6-99347217-G-A.
Other names: c.1244C>T, p.Pro415Leu (NM_012160.5); c.1244C>T (NM_012160.3); short protein forms P415L.
Identifiers: ClinVar variation 437717 (VCV000437717.5), dbSNP rs770653005, ClinGen allele CA3933498.